The following is an entry in ClinVar:

ClinVar aggregate classification (germline): Pathogenic (1 of 4 stars; one submission).

Submission:

GeneDx
Classification: Pathogenic. Last evaluated: 2025-05-17. Review status: criteria provided, single submitter. Criteria: GeneDx Variant Classification Process June 2021. Collection method: clinical testing. Allele origin: germline. Affected: yes.
Comment: Not observed at significant frequency in large population cohorts (gnomAD); Affects a glycine residue in a Gly-X-Y motif in the triple helical region of the COL4A1 gene, where the majority of pathogenic missense variants occur, and is predicted to disrupt normal protein folding and function (HGMD; PMID: 22522439, 23225343); In silico analysis supports that this missense variant has a deleterious effect on protein structure/function; This variant is associated with the following publications: (PMID: 22522439, 23225343, 30413629)

NM_001845.6(COL4A1):c.3707G>A (p.Gly1236Glu)

Gene: COL4A1 (collagen type IV alpha 1 chain; minus strand). Cytogenetic location: 13q34.
Variant type: single nucleotide variant.
Coding change: c.3707G>A on transcript NM_001845.6 (MANE Select); coding-DNA position 3707, G replaced by A.
Protein change: p.Gly1236Glu; replaces glycine 1236 with glutamic acid.
Molecular consequence: missense variant.
Genome position (GRCh38, 1-based): chr13:110,170,582, C>T on the plus strand (G>A on the coding strand, the complement: COL4A1 is on the minus strand). VCF-style: chr13-110170582-C-T. GRCh37 (hg19) VCF-style: chr13-110822929-C-T.
Other names: short protein forms G1236E.
Identifiers: ClinVar variation 4529673 (VCV004529673.1).
Genomic context (GRCh38, chr13:110,170,582, plus strand): 5'-CTGGCCCCTGGCGAGATGCCCTTACCTGGCAGGCCAGGCTGGCCCTGAGGTCCGCGGTCT[C>T]CTTTGGGCCCCTCCGTGGCATGGCCTGGGGATCCCGGTAACCCCGGCTGTCCCTGGGGCC-3'
Protein context (NP_001836.3, residues 1226-1246): SPGHATEGPK[Gly1236Glu]DRGPQGQPGL